The following is an entry in ClinVar:

ClinVar aggregate classification (germline): Uncertain significance. Review status: criteria provided, multiple submitters, no conflicts (2 of 4 stars). 2 submissions from 2 submitters: Uncertain significance (2). Last evaluated 2024-10-15.

Conditions:
Cardiovascular phenotype. Identifiers: MedGen CN230736.
X-linked myopathy with postural muscle atrophy. Also called: FHL1-Related Emery-Dreifuss Muscular Dystrophy, X-Linked. Identifiers: Orphanet 178461, MedGen C2678055, MONDO:0010401, OMIM 300696.

Allele frequency attached by ClinVar (database versions not stated): gnomAD exomes below 0.00001 and 0.00001; ExAC 0.00002; gnomAD 0.00002; TOPMed 0.00002.
gnomAD v4.1: 3 of 1,208,982 alleles (0.00025%); highest among the groups gnomAD compares: African/African-American, 0.0053%; no homozygotes.

Submissions (2):

Labcorp Genetics (formerly Invitae), Labcorp
Classification: Uncertain significance for X-linked myopathy with postural muscle atrophy. Last evaluated: 2024-10-15. Review status: criteria provided, single submitter. Criteria: Invitae Variant Classification Sherloc (09022015). Collection method: clinical testing. Allele origin: germline.
Comment: This sequence change replaces glutamine, which is neutral and polar, with glutamic acid, which is acidic and polar, at codon 270 of the FHL1 protein (p.Gln270Glu). This variant is present in population databases (rs747922027, gnomAD 0.02%). This variant has not been reported in the literature in individuals affected with FHL1-related conditions. ClinVar contains an entry for this variant (Variation ID: 565665). An algorithm developed to predict the effect of missense changes on protein structure and function (PolyPhen-2) suggests that this variant¬†is likely to be tolerated. In summary, the available evidence is currently insufficient to determine the role of this variant in disease. Therefore, it has been classified as a Variant of Uncertain Significance.

Ambry Genetics
Classification: Uncertain significance for Cardiovascular phenotype. Last evaluated: 2024-03-07. Review status: criteria provided, single submitter. Criteria: Ambry Variant Classification Scheme 2023. Collection method: clinical testing. Allele origin: germline.
Comment: The p.Q270E variant (also known as c.808C>G), located in coding exon 5 of the FHL1 gene, results from a C to G substitution at nucleotide position 808. The glutamine at codon 270 is replaced by glutamic acid, an amino acid with highly similar properties. This amino acid position is conserved. In addition, this alteration is predicted to be tolerated by in silico analysis. Based on data from gnomAD, the G allele has an overall frequency of 0.001% (2/183530) total alleles studied, with no hemizygotes observed. The highest observed frequency was 0.015% (2/13161) of African alleles. Based on the available evidence, the clinical significance of this alteration remains unclear.

NM_001159699.2(FHL1):c.856C>G (p.Gln286Glu)

Gene: FHL1 (four and a half LIM domains 1; plus strand). Cytogenetic location: Xq26.3.
Variant type: single nucleotide variant.
Coding change: c.856C>G on transcript NM_001159699.2 (MANE Select); coding-DNA position 856, C replaced by G.
Protein change: p.Gln286Glu; replaces glutamine 286 with glutamic acid.
Molecular consequence: missense variant. On other transcripts: 3 prime UTR variant (6), non-coding transcript variant (1).
Genome position (GRCh38, 1-based): chrX:136,209,990, C>G. VCF-style: chrX-136209990-C-G. GRCh37 (hg19) VCF-style: chrX-135292149-C-G.
Other names: c.808C>G, p.Gln270Glu (NM_001159700.2, NM_001159704.1, NM_001167819.1 and 4 more transcripts); c.895C>G, p.Gln299Glu (NM_001159701.2); c.*36C>G (NM_001159702.3, NM_001159703.2, NM_001330659.2 and 3 more transcripts); short protein forms Q270E, Q286E, Q299E.
Identifiers: ClinVar variation 565665 (VCV000565665.7), dbSNP rs747922027, ClinGen allele CA10525134.